The following is an entry in ClinVar:

NM_006912.6(RIT1):c.408A>G (p.Ser136=)

Gene: RIT1 (Ras like without CAAX 1; minus strand). Cytogenetic location: 1q22.
Variant type: single nucleotide variant.
Coding change: c.408A>G on transcript NM_006912.6 (MANE Select); coding-DNA position 408, A replaced by G.
Protein change: p.Ser136=; no amino-acid change (serine 136 retained).
Molecular consequence: synonymous variant.
Genome position (GRCh38, 1-based): chr1:155,904,332, T>C on the plus strand (A>G on the coding strand, the complement: RIT1 is on the minus strand). VCF-style: chr1-155904332-T-C. GRCh37 (hg19) VCF-style: chr1-155874123-T-C.
Other names: p.Ser136=; c.300A>G, p.Ser100= (NM_001256820.2); c.459A>G, p.Ser153= (NM_001256821.2); c.459A>G (NM_001256821.1).
Identifiers: ClinVar variation 1737689 (VCV001737689.7), dbSNP rs766640740, ClinGen allele CA1151798.

ClinVar aggregate classification (germline): Likely benign. Review status: criteria provided, multiple submitters, no conflicts (2 of 4 stars). 4 submissions from 4 submitters: Likely benign (3). 1 of the submissions does not count toward it. Last evaluated 2026-01-17.

Conditions:
Cardiovascular phenotype. Identifiers: MedGen CN230736.
RIT1-related disorder. Also called: RIT1-related condition.
Noonan syndrome 8 (NS8). Identifiers: Orphanet 648, MedGen C3809233, MONDO:0014143, OMIM 615355.

Allele frequency attached by ClinVar (database versions not stated): gnomAD exomes 0.00003; gnomAD 0.00001; TOPMed 0.00003; ExAC 0.00004.
gnomAD v4.1: 16 of 1,613,394 alleles (0.00099%); highest among the groups gnomAD compares: Admixed American, 0.027%; no homozygotes.

Submissions (4):

Labcorp Genetics (formerly Invitae), Labcorp
Classification: Likely benign for Noonan syndrome 8. Last evaluated: 2026-01-17. Review status: criteria provided, single submitter. Criteria: Invitae Variant Classification Sherloc (09022015). Collection method: clinical testing. Allele origin: germline.

Mayo Clinic Laboratories, Mayo Clinic
Classification: Likely benign. Last evaluated: 2025-08-19. Review status: criteria provided, single submitter. Criteria: ACMG Guidelines, 2015. Collection method: clinical testing. Allele origin: germline. Observed: 1 variant allele.
Comment: BS1, BP4, BP7

Ambry Genetics
Classification: Likely benign for Cardiovascular phenotype. Last evaluated: 2022-03-07. Review status: criteria provided, single submitter. Criteria: Ambry Variant Classification Scheme 2023. Collection method: clinical testing. Allele origin: germline.

PreventionGenetics, part of Exact Sciences
Classification: Likely benign for RIT1-related condition. Last evaluated: 2024-07-26. Review status: no assertion criteria provided. Collection method: clinical testing. Allele origin: germline. Not counted in ClinVar's aggregate classification.
Comment: This variant is classified as likely benign based on ACMG/AMP sequence variant interpretation guidelines (Richards et al. 2015 PMID: 25741868, with internal and published modifications).